The following is an entry in ClinVar:

NM_001042492.3(NF1):c.7320A>C (p.Ala2440=)

Gene: NF1 (neurofibromin 1; plus strand). Cytogenetic location: 17q11.2.
Variant type: single nucleotide variant.
Coding change: c.7320A>C on transcript NM_001042492.3 (MANE Select); coding-DNA position 7320, A replaced by C.
Protein change: p.Ala2440=; no amino-acid change (alanine 2440 retained).
Molecular consequence: synonymous variant.
Genome position (GRCh38, 1-based): chr17:31,349,250, A>C. VCF-style: chr17-31349250-A-C. GRCh37 (hg19) VCF-style: chr17-29676268-A-C.
Other names: c.7257A>C, p.Ala2419= (NM_000267.4).
Identifiers: ClinVar variation 3237930 (VCV003237930.1), dbSNP rs2151572978.
Genomic context (GRCh38, chr17:31,349,250, plus strand): 5'-TAACAAACACAGAAATTGTGACAAATTTGAAGTGAATACACAGAGCGTGGCCTACTTAGC[A>C]GGTAAAAACACAAAATAAACAAAATTAATCTTGCTACATCTATATATAAGGATCACCCAA-3'
Protein context (NP_001035957.1, residues 2430-2450): EVNTQSVAYL[Ala2440=]ALLTVSEEVR

ClinVar aggregate classification (germline): Uncertain significance (1 of 4 stars; one submission).

Conditions:
Hereditary cancer-predisposing syndrome. Also called: Neoplastic Syndromes, Hereditary; Tumor predisposition; Hereditary neoplastic syndrome; Hereditary Cancer Syndrome. Identifiers: Orphanet 140162, MedGen C0027672, MeSH D009386, MONDO:0015356.
Cardiovascular phenotype. Identifiers: MedGen CN230736.

Submission:

Ambry Genetics
Classification: Uncertain significance for Cardiovascular phenotype; Hereditary cancer-predisposing syndrome. Last evaluated: 2023-04-05. Review status: criteria provided, single submitter. Criteria: Ambry Variant Classification Scheme 2023. Collection method: clinical testing. Allele origin: germline.
Comment: The c.7257A>C variant (also known as p.A2419A), located in coding exon 48 of the NF1 gene, results from an A to C substitution at nucleotide position 7257. This nucleotide substitution does not change the codon at 2419. However, this change occurs in the base pair of coding exon 48, which makes it likely to have some effect on normal mRNA splicing. This nucleotide position is well conserved in available vertebrate species. In silico splice site analysis predicts that this alteration will not have any significant effect on splicing; however, direct evidence is insufficient at this time (Ambry internal data). Since supporting evidence is limited at this time, the clinical significance of this alteration remains unclear.